The following is an entry in ClinVar:

NC_000017.11:g.12269251_12706280del

Genes: MYOCD (myocardin; plus strand), MYOCD-AS1 (MYOCD antisense RNA 1; minus strand), LINC00670 (long independently transcribed non-coding RNA 670; plus strand), LOC125177420 (Sharpr-MPRA regulatory region 9419; plus strand), LOC126862508 (BRD4-independent group 4 enhancer GRCh37_chr17:12533784-12534983; plus strand) and 2 more. Cytogenetic location: 17p12.
Variant type: Deletion.
Other names: 420-KB DEL, EX1-2DEL.
Identifiers: ClinVar variation 689482 (VCV000689482.2).

ClinVar aggregate classification (germline): Pathogenic. Review status: no assertion criteria provided (0 of 4 stars). 2 submissions from 2 submitters: Pathogenic (2). Last evaluated 2019-12-23.

Conditions:
Megabladder, congenital. Identifiers: MedGen C5231472, MONDO:0032879, OMIM 618719.
Prune belly syndrome. Also called: Prune belly. Identifiers: Orphanet 2970, MedGen C0033770, MONDO:0007032, OMIM 100100, HP:0004392.

Submissions (2):

OMIM
Classification: Pathogenic for MEGABLADDER, CONGENITAL. Last evaluated: 2019-12-23. Review status: no assertion criteria provided. Collection method: literature only. Allele origin: germline.

Department of Medical Biology, Academic Medical Center
Classification: Pathogenic for Prune belly syndrome. Last evaluated: 2019-05-01. Review status: no assertion criteria provided. Collection method: research. Allele origin: de novo. Affected: yes.
Comment: Array-CGH analysis was performed on proband and parents using Agilent 180K oligo-array (Amadid 023363, Agilent, Santa Clara, CA), with 13-kb overall median probe spacing and a GRCh37/hg19 browser. Standard methods were used for labeling and hybridization. Samples were hybridized against a pool of 40 healthy sex-matched human reference samples. Data were analyzed with Genomic Workbench 6.5 (Agilent) and Cartagenia [BENCHlab CNV v5.0 (r6643); Agilent].

Literature cited by the submitters: PubMed 31513549 (cited by OMIM and Department of Medical Biology, Academic Medical Center).